The following is an entry in ClinVar:

NM_001103.4(ACTN2):c.1412T>C (p.Leu471Pro)

Gene: ACTN2 (actinin alpha 2; plus strand). Cytogenetic location: 1q43.
Variant type: single nucleotide variant.
Coding change: c.1412T>C on transcript NM_001103.4 (MANE Select); coding-DNA position 1412, T replaced by C.
Protein change: p.Leu471Pro; replaces leucine 471 with proline.
Molecular consequence: missense variant.
Genome position (GRCh38, 1-based): chr1:236,747,672, T>C. VCF-style: chr1-236747672-T-C. GRCh37 (hg19) VCF-style: chr1-236910972-T-C.
Other names: c.1412T>C, p.Leu471Pro (NM_001278343.2); c.788T>C, p.Leu263Pro (NM_001278344.2); c.662T>C, p.Leu221Pro (NM_001412150.1); c.1412T>C (NM_001103.2); short protein forms L221P, L263P, L471P.
Identifiers: ClinVar variation 1708097 (VCV001708097.2), dbSNP rs1659276507, ClinGen allele CA345383705.

ClinVar aggregate classification (germline): Uncertain significance. Review status: criteria provided, multiple submitters, no conflicts (2 of 4 stars). 2 submissions from 2 submitters: Uncertain significance (2). Last evaluated 2024-07-25.

Conditions:
Cardiovascular phenotype. Identifiers: MedGen CN230736.
Dilated cardiomyopathy 1AA (CMD1AA). Also called: CARDIOMYOPATHY, DILATED, 1AA, WITH OR WITHOUT LEFT VENTRICULAR NONCOMPACTION; CARDIOMYOPATHY, FAMILIAL HYPERTROPHIC, 23, WITH OR WITHOUT LEFT VENTRICULAR NONCOMPACTION; Cardiomyopathy, dilated, 1AA, with or without LVNC. Identifiers: Orphanet 154, MedGen C2677338, MONDO:0012808, OMIM 612158.

Submissions (2):

Ambry Genetics
Classification: Uncertain significance for Cardiovascular phenotype. Last evaluated: 2024-07-25. Review status: criteria provided, single submitter. Criteria: Ambry Variant Classification Scheme 2023. Collection method: clinical testing. Allele origin: germline.
Comment: The p.L471P variant (also known as c.1412T>C), located in coding exon 13 of the ACTN2 gene, results from a T to C substitution at nucleotide position 1412. The leucine at codon 471 is replaced by proline, an amino acid with similar properties. This amino acid position is conserved. In addition, this alteration is predicted to be deleterious by in silico analysis. Based on the available evidence, the clinical significance of this variant remains unclear.

Laboratory of Medical Genetics, National & Kapodistrian University of Athens
Classification: Uncertain significance for Dilated cardiomyopathy 1AA. Last evaluated: 2022-04-11. Review status: criteria provided, single submitter. Criteria: ACMG Guidelines, 2015. Collection method: clinical testing. Allele origin: germline. Affected: yes.
Comment: PM2, PP3